The following is an entry in ClinVar:

NM_006206.6(PDGFRA):c.875C>T (p.Ala292Val)

Gene: PDGFRA (platelet derived growth factor receptor alpha; plus strand). Cytogenetic location: 4q12.
Variant type: single nucleotide variant.
Coding change: c.875C>T on transcript NM_006206.6 (MANE Select); coding-DNA position 875, C replaced by T.
Protein change: p.Ala292Val; replaces alanine 292 with valine.
Molecular consequence: missense variant.
Genome position (GRCh38, 1-based): chr4:54,267,404, C>T. VCF-style: chr4-54267404-C-T. GRCh37 (hg19) VCF-style: chr4-55133571-C-T.
Other names: c.875C>T, p.Ala292Val (NM_001347827.2, NM_001347829.2); c.950C>T, p.Ala317Val (NM_001347828.2); c.914C>T, p.Ala305Val (NM_001347830.2); short protein forms A292V, A305V, A317V.
Identifiers: ClinVar variation 2172810 (VCV002172810.5), dbSNP rs2110265236, ClinGen allele CA356891300.

ClinVar aggregate classification (germline): Uncertain significance. Review status: criteria provided, multiple submitters, no conflicts (2 of 4 stars). 2 submissions from 2 submitters: Uncertain significance (2). Last evaluated 2023-12-02.

Conditions:
Hereditary cancer-predisposing syndrome. Also called: Hereditary Cancer Syndrome; Hereditary neoplastic syndrome; Neoplastic Syndromes, Hereditary; Tumor predisposition. Identifiers: Orphanet 140162, MedGen C0027672, MeSH D009386, MONDO:0015356.
Gastrointestinal stromal tumor. Also called: Gastrointestinal stroma tumor; Gastrointestinal stromal tumor, somatic. Identifiers: Orphanet 44890, MedGen C0238198, MeSH D046152, MONDO:0011719, OMIM 606764, HP:0100723.

Submissions (2):

Ambry Genetics
Classification: Uncertain significance for Hereditary cancer-predisposing syndrome. Last evaluated: 2023-12-02. Review status: criteria provided, single submitter. Criteria: Ambry Variant Classification Scheme 2023. Collection method: clinical testing. Allele origin: germline.
Comment: The p.A292V variant (also known as c.875C>T), located in coding exon 5 of the PDGFRA gene, results from a C to T substitution at nucleotide position 875. The alanine at codon 292 is replaced by valine, an amino acid with similar properties. This amino acid position is conserved. In addition, this alteration is predicted to be tolerated by in silico analysis. Since supporting evidence is limited at this time, the clinical significance of this alteration remains unclear.

Labcorp Genetics (formerly Invitae), Labcorp
Classification: Uncertain significance for Gastrointestinal stromal tumor. Last evaluated: 2022-01-05. Review status: criteria provided, single submitter. Criteria: Invitae Variant Classification Sherloc (09022015). Collection method: clinical testing. Allele origin: germline.
Comment: This sequence change replaces alanine, which is neutral and non-polar, with valine, which is neutral and non-polar, at codon 292 of the PDGFRA protein (p.Ala292Val). This variant is not present in population databases (gnomAD no frequency). This variant has not been reported in the literature in individuals affected with PDGFRA-related conditions. Algorithms developed to predict the effect of missense changes on protein structure and function (SIFT, PolyPhen-2, Align-GVGD) all suggest that this variant is likely to be tolerated. In summary, the available evidence is currently insufficient to determine the role of this variant in disease. Therefore, it has been classified as a Variant of Uncertain Significance.